The following is an entry in ClinVar:

ClinVar aggregate classification (germline): Uncertain significance (1 of 4 stars; one submission).

Conditions:
Gnathodiaphyseal dysplasia (GDD). Also called: GNATHODIAPHYSEAL SCLEROSIS; OSTEOGENESIS IMPERFECTA WITH UNUSUAL SKELETAL LESIONS. Identifiers: Orphanet 53697, MedGen C1833736, MONDO:0008151, OMIM 166260.
Autosomal recessive limb-girdle muscular dystrophy type 2L (LGMDR12). Also called: Limb-girdle muscular dystrophy, type 2L; MUSCULAR DYSTROPHY, LIMB-GIRDLE, AUTOSOMAL RECESSIVE 12; Limb-Girdle Muscular Dystrophy R12 Anoctamin-5-Related (LGMD-R12). Identifiers: Orphanet 206549, MedGen C1969785, MONDO:0012652, OMIM 611307.

gnomAD v4.1: 8 of 1,597,202 alleles (0.0005%); highest among the groups gnomAD compares: Admixed American, 0.005%; no homozygotes.

Submission:

Labcorp Genetics (formerly Invitae), Labcorp
Classification: Uncertain significance for Autosomal recessive limb-girdle muscular dystrophy type 2L; Gnathodiaphyseal dysplasia. Last evaluated: 2025-08-20. Review status: criteria provided, single submitter. Criteria: Invitae Variant Classification Sherloc (09022015). Collection method: clinical testing. Allele origin: germline.
Comment: This sequence change falls in intron 21 of the ANO5 gene. It does not directly change the encoded amino acid sequence of the ANO5 protein. This variant is present in population databases (rs752000476, gnomAD 0.003%). This variant has not been reported in the literature in individuals affected with ANO5-related conditions. ClinVar contains an entry for this variant (Variation ID: 3760695). Algorithms developed to predict the effect of sequence changes on RNA splicing suggest that this variant may disrupt the consensus splice site. In summary, the available evidence is currently insufficient to determine the role of this variant in disease. Therefore, it has been classified as a Variant of Uncertain Significance.

NM_213599.3(ANO5):c.2521-16T>G

Gene: ANO5 (anoctamin 5; plus strand). Cytogenetic location: 11p14.3.
Variant type: single nucleotide variant.
Coding change: c.2521-16T>G on transcript NM_213599.3 (MANE Select); 16 bases into the intron before coding-DNA position 2521, T replaced by G.
Molecular consequence: intron variant.
Genome position (GRCh38, 1-based): chr11:22,279,528, T>G. VCF-style: chr11-22279528-T-G. GRCh37 (hg19) VCF-style: chr11-22301074-T-G.
Other names: c.2479-16T>G (NM_001410963.1); c.2518-16T>G (NM_001142649.2); c.2476-16T>G (NM_001410964.1).
Identifiers: ClinVar variation 3760695 (VCV003760695.2).
Genomic context (GRCh38, chr11:22,279,528, plus strand): 5'-AATGATTTGTAAAGACTTTCTGCTGAGCATGTGACACCTCTAACAGCGTCTAATCTTTCC[T>G]TTATATTTCCTCTAGCATGTTGTGTTTTTAGTTAAATTTTTGCTGGCCTGGATGATACCT-3'